The following is an entry in ClinVar:

NM_000260.4(MYO7A):c.5636+2T>A

Gene: MYO7A (myosin VIIA; plus strand). Cytogenetic location: 11q13.5.
Variant type: single nucleotide variant.
Coding change: c.5636+2T>A on transcript NM_000260.4 (MANE Select); the canonical splice donor site of the intron after coding-DNA position 5636, T replaced by A.
Molecular consequence: splice donor variant.
Genome position (GRCh38, 1-based): chr11:77,205,619, T>A. VCF-style: chr11-77205619-T-A. GRCh37 (hg19) VCF-style: chr11-76916664-T-A.
Other names: c.5489+2T>A (NM_001369365.1); c.5522+2T>A (NM_001127180.2).
Identifiers: ClinVar variation 372874 (VCV000372874.1), dbSNP rs1057518040, ClinGen allele CA16042825.
Genomic context (GRCh38, chr11:77,205,619, plus strand): 5'-TCCCGAAAGCACTGCCCACTCGCCATCGACTGCCTGCAACGGCTCCAGAAAGCCCTGAGG[T>A]ACAGCGGCCACCAGGGGCAGGGACAGACACTGGGGCGGGCTCCTGGCCACGCGGGGCTTG-3'

ClinVar aggregate classification (germline): Likely pathogenic (1 of 4 stars; one submission).

Allele frequency attached by ClinVar (database versions not stated): gnomAD 0.00001.
gnomAD v4.1: 1 of 1,613,030 alleles (0.000062%); highest among the groups gnomAD compares: African/African-American, 0.0013%; no homozygotes.

Submission:

GeneDx
Classification: Likely pathogenic. Last evaluated: 2016-01-25. Review status: criteria provided, single submitter. Criteria: GeneDx Variant Classification (06012015). Collection method: clinical testing. Allele origin: germline. Affected: yes.
Comment: The c.5636+2T>A variant in the MYO7A gene has not been reported previously as a pathogenic variant nor as a benign variant, to our knowledge. This splice site variant destroys the canonical splice donor site in intron 40. It is predicted to cause abnormal gene splicing, either leading to an abnormal message that is subject to nonsense-mediated mRNA decay, or to an abnormal protein product if the message is used for protein translation. The c.5636+2T>A variant was not observed in approximately 6,200 individuals of European and African American ancestry in the NHLBI Exome Sequencing Project, indicating it is not a common benign variant in these populations. The c.5636+2T>A variant is a strong candidate for a pathogenic variant, however the possibility it may be a rare benign variant cannot be excluded.